The following is an entry in ClinVar:

NM_005378.6(MYCN):c.408C>A (p.His136Gln)

Gene: MYCN (MYCN proto-oncogene, bHLH transcription factor; plus strand). Cytogenetic location: 2p24.3.
Variant type: single nucleotide variant.
Coding change: c.408C>A on transcript NM_005378.6 (MANE Select); coding-DNA position 408, C replaced by A.
Protein change: p.His136Gln; replaces histidine 136 with glutamine.
Molecular consequence: missense variant. On other transcripts: 3 prime UTR variant (1), intron variant (1).
Genome position (GRCh38, 1-based): chr2:15,942,472, C>A. VCF-style: chr2-15942472-C-A. GRCh37 (hg19) VCF-style: chr2-16082594-C-A.
Other names: c.408C>A, p.His136Gln (NM_001293228.2); c.*343C>A (NM_001293233.2); c.157+1729C>A (NM_001293231.2); short protein forms H136Q.
Identifiers: ClinVar variation 2897414 (VCV002897414.3), dbSNP rs750472300, ClinGen allele CA1538177.

ClinVar aggregate classification (germline): Uncertain significance (1 of 4 stars; one submission).

Allele frequency attached by ClinVar (database versions not stated): gnomAD exomes 0.00001; TOPMed 0.00002; ExAC 0.00004.
gnomAD v4.1: 10 of 1,567,884 alleles (0.00064%); highest among the groups gnomAD compares: Admixed American, 0.0035%; no homozygotes.

Submission:

Labcorp Genetics (formerly Invitae), Labcorp
Classification: Uncertain significance. Last evaluated: 2022-11-13. Review status: criteria provided, single submitter. Criteria: Invitae Variant Classification Sherloc (09022015). Collection method: clinical testing. Allele origin: germline.
Comment: This sequence change replaces histidine, which is basic and polar, with glutamine, which is neutral and polar, at codon 136 of the MYCN protein (p.His136Gln). This variant is present in population databases (rs750472300, gnomAD 0.007%). This variant has not been reported in the literature in individuals affected with MYCN-related conditions. Advanced modeling of protein sequence and biophysical properties (such as structural, functional, and spatial information, amino acid conservation, physicochemical variation, residue mobility, and thermodynamic stability) performed at Invitae indicates that this missense variant is not expected to disrupt MYCN protein function. In summary, the available evidence is currently insufficient to determine the role of this variant in disease. Therefore, it has been classified as a Variant of Uncertain Significance.